The following is an entry in ClinVar:

ClinVar aggregate classification (germline): Uncertain significance. Review status: criteria provided, multiple submitters, no conflicts (2 of 4 stars). 3 submissions from 3 submitters: Uncertain significance (3). Last evaluated 2024-03-22.

Conditions:
Inborn genetic diseases. Identifiers: MedGen C0950123, MeSH D030342.
Fanconi-Bickel syndrome (FBS). Also called: Glycogen storage disease due to GLUT2 deficiency; FANCONI SYNDROME WITH INTESTINAL MALABSORPTION AND GALACTOSE INTOLERANCE; HEPATIC GLYCOGENOSIS WITH AMINO ACIDURIA AND GLUCOSURIA; HEPATIC GLYCOGENOSIS WITH FANCONI NEPHROPATHY; HEPATORENAL GLYCOGENOSIS WITH RENAL FANCONI SYNDROME; PSEUDO-PHLORIZIN DIABETES. Identifiers: Orphanet 2088, MedGen C3495427, MONDO:0009216, OMIM 227810.
Type 2 diabetes mellitus. Also called: Type II diabetes mellitus. Identifiers: MedGen C0011860, MeSH D003924, MONDO:0005148, OMIM 125853, HP:0005978.

Allele frequency attached by ClinVar (database versions not stated): ExAC 0.00001; gnomAD 0.00002; gnomAD exomes 0.00002; TOPMed 0.00003.
gnomAD v4.1: 37 of 1,612,182 alleles (0.0023%); highest among the groups gnomAD compares: Non-Finnish European, 0.0029%; no homozygotes.

Submissions (3):

Fulgent Genetics
Classification: Uncertain significance for Type 2 diabetes mellitus; Fanconi-Bickel syndrome. Last evaluated: 2024-03-22. Review status: criteria provided, single submitter. Criteria: ACMG Guidelines, 2015. Collection method: clinical testing. Allele origin: germline.

Labcorp Genetics (formerly Invitae), Labcorp
Classification: Uncertain significance for Fanconi-Bickel syndrome. Last evaluated: 2021-11-05. Review status: criteria provided, single submitter. Criteria: Invitae Variant Classification Sherloc (09022015). Collection method: clinical testing. Allele origin: germline.
Comment: In summary, the available evidence is currently insufficient to determine the role of this variant in disease. Therefore, it has been classified as a Variant of Uncertain Significance. Advanced modeling of protein sequence and biophysical properties (such as structural, functional, and spatial information, amino acid conservation, physicochemical variation, residue mobility, and thermodynamic stability) performed at Invitae indicates that this missense variant is expected to disrupt SLC2A2 protein function. This variant has not been reported in the literature in individuals affected with SLC2A2-related conditions. This variant is present in population databases (rs780873643, gnomAD 0.003%). This sequence change replaces valine, which is neutral and non-polar, with glycine, which is neutral and non-polar, at codon 289 of the SLC2A2 protein (p.Val289Gly).

Ambry Genetics
Classification: Uncertain significance for Inborn genetic diseases. Last evaluated: 2021-07-26. Review status: criteria provided, single submitter. Criteria: Ambry Variant Classification Scheme 2023. Collection method: clinical testing. Allele origin: germline.

NM_000340.2(SLC2A2):c.866T>G (p.Val289Gly)

Gene: SLC2A2 (solute carrier family 2 member 2; minus strand). Cytogenetic location: 3q26.2.
Variant type: single nucleotide variant.
Coding change: c.866T>G on transcript NM_000340.2 (MANE Select); coding-DNA position 866, T replaced by G.
Protein change: p.Val289Gly; replaces valine 289 with glycine.
Molecular consequence: missense variant.
Genome position (GRCh38, 1-based): chr3:171,005,382, A>C on the plus strand (T>G on the coding strand, the complement: SLC2A2 is on the minus strand). VCF-style: chr3-171005382-A-C. GRCh37 (hg19) VCF-style: chr3-170723171-A-C.
Other names: c.866T>G (NM_000340.1); c.509T>G, p.Val170Gly (NM_001278658.2); c.347T>G, p.Val116Gly (NM_001278659.2); short protein forms V116G, V170G, V289G.
Identifiers: ClinVar variation 1397686 (VCV001397686.19), dbSNP rs780873643, ClinGen allele CA2702561.
Genomic context (GRCh38, chr3:171,005,382, plus strand): 5'-ATCAGTGCCACTAGAATAGGCTGTCGGTAGCTGGAATTGGTGAAGAGCTGAATTATAGAG[A>C]CTTTCTGCTCACTCGATGCTTCTTCTCTTTCTTTTCTCATTTCATTAATATCTTTGGTGA-3'
Protein context (NP_000331.1, residues 279-299): EREEASSEQK[Val289Gly]SIIQLFTNSS